The following is an entry in ClinVar:

ClinVar aggregate classification (germline): Uncertain significance (1 of 4 stars; one submission).

Conditions:
Early-infantile DEE. Also called: Early infantile epileptic encephalopathy; Ohtahara syndrome; Early infantile epileptic encephalopathy with suppression bursts. Identifiers: Orphanet 1934, MedGen C0393706, MONDO:0800491.

Submission:

Labcorp Genetics (formerly Invitae), Labcorp
Classification: Uncertain significance for Early-infantile DEE. Last evaluated: 2021-12-27. Review status: criteria provided, single submitter. Criteria: Invitae Variant Classification Sherloc (09022015). Collection method: clinical testing. Allele origin: germline.
Comment: This variant has not been reported in the literature in individuals affected with SCN1A-related conditions. In summary, the available evidence is currently insufficient to determine the role of this variant in disease. Therefore, it has been classified as a Variant of Uncertain Significance. Advanced modeling of protein sequence and biophysical properties (such as structural, functional, and spatial information, amino acid conservation, physicochemical variation, residue mobility, and thermodynamic stability) performed at Invitae indicates that this missense variant is not expected to disrupt SCN1A protein function. This variant is not present in population databases (gnomAD no frequency). This sequence change replaces asparagine, which is neutral and polar, with isoleucine, which is neutral and non-polar, at codon 1952 of the SCN1A protein (p.Asn1952Ile).

NM_001165963.4(SCN1A):c.5855A>T (p.Asn1952Ile)

Genes: SCN1A (sodium voltage-gated channel alpha subunit 1; minus strand), LOC102724058 (uncharacterized LOC102724058; plus strand). Cytogenetic location: 2q24.3.
Variant type: single nucleotide variant.
Coding change: c.5855A>T on transcript NM_001165963.4 (MANE Select); coding-DNA position 5855, A replaced by T.
Protein change: p.Asn1952Ile; replaces asparagine 1952 with isoleucine.
Molecular consequence: missense variant. On other transcripts: non-coding transcript variant (1).
Genome position (GRCh38, 1-based): chr2:165,991,420, T>A on the plus strand (A>T on the coding strand, the complement: SCN1A is on the minus strand). VCF-style: chr2-165991420-T-A. GRCh37 (hg19) VCF-style: chr2-166847930-T-A.
Other names: c.5822A>T, p.Asn1941Ile (NM_001353949.2, NM_001353950.2, NM_001353951.2 and 2 more transcripts); c.5819A>T, p.Asn1940Ile (NM_001353954.2, NM_001353955.2); c.5771A>T, p.Asn1924Ile (NM_001353957.2, NM_001353958.2, NM_001165964.3); c.5768A>T, p.Asn1923Ile (NM_001353960.2); c.3413A>T, p.Asn1138Ile (NM_001353961.2); c.5855A>T, p.Asn1952Ile (NM_001202435.3, NM_001353948.2); short protein forms N1924I, N1952I, N1923I, N1940I, N1138I, N1941I.
Identifiers: ClinVar variation 2061979 (VCV002061979.4), dbSNP rs2468324958, ClinGen allele CA349063514.